The following is an entry in ClinVar:

ClinVar aggregate classification (germline): Uncertain significance. Review status: criteria provided, multiple submitters, no conflicts (2 of 4 stars). 3 submissions from 3 submitters: Uncertain significance (3). Last evaluated 2025-05-15.

Conditions:
Cardiovascular phenotype. Identifiers: MedGen CN230736.
Long QT syndrome (LQTS). Identifiers: MedGen C0023976, MeSH D008133, MONDO:0002442. Disease mechanism: loss of function. Inheritance: Various modes of inheritance.

Submissions (4):

Ambry Genetics
Classification: Uncertain significance for Cardiovascular phenotype. Last evaluated: 2025-05-15. Review status: criteria provided, single submitter. Criteria: Ambry Variant Classification Scheme 2023. Collection method: clinical testing. Allele origin: germline.
Comment: The p.E110G variant (also known as c.329A>G), located in coding exon 1 of the KCNE1 gene, results from an A to G substitution at nucleotide position 329. The glutamic acid at codon 110 is replaced by glycine, an amino acid with similar properties. This amino acid position is well conserved in available vertebrate species. In addition, the in silico prediction for this alteration is inconclusive. Based on the available evidence, the clinical significance of this variant remains unclear.

Labcorp Genetics (formerly Invitae), Labcorp
Classification: Uncertain significance for Long QT syndrome. Last evaluated: 2023-07-17. Review status: criteria provided, single submitter. Criteria: Invitae Variant Classification Sherloc (09022015). Collection method: clinical testing. Allele origin: germline.
Comment: In summary, the available evidence is currently insufficient to determine the role of this variant in disease. Therefore, it has been classified as a Variant of Uncertain Significance. Advanced modeling of protein sequence and biophysical properties (such as structural, functional, and spatial information, amino acid conservation, physicochemical variation, residue mobility, and thermodynamic stability) has been performed at Invitae for this missense variant, however the output from this modeling did not meet the statistical confidence thresholds required to predict the impact of this variant on KCNE1 protein function. ClinVar contains an entry for this variant (Variation ID: 1677454). This variant has not been reported in the literature in individuals affected with KCNE1-related conditions. This variant is not present in population databases (gnomAD no frequency). This sequence change replaces glutamic acid, which is acidic and polar, with glycine, which is neutral and non-polar, at codon 110 of the KCNE1 protein (p.Glu110Gly).

AiLife Diagnostics
Classification: Uncertain significance. Last evaluated: 2021-08-19. Review status: criteria provided, single submitter. Criteria: ACMG Guidelines, 2015. Collection method: clinical testing. Allele origin: germline. Affected: yes. Observed: 1 variant allele.

Roden Lab, Vanderbilt University Medical Center
No classification provided (evidence only). Condition: Long QT syndrome 5. Review status: no classification provided. Collection method: in vitro. Allele origin: not applicable. Functional consequence: Effect on ion channel function. Not counted in ClinVar's aggregate classification.
ClinVar note: "not provided" was previously submitted as the classification for the variant. However, the classification appeared to be based only on an observation of functional data so it was converted to no classification on 2025-07-30.

NM_000219.6(KCNE1):c.329A>G (p.Glu110Gly)

Gene: KCNE1 (potassium voltage-gated channel subfamily E regulatory subunit 1; minus strand). Cytogenetic location: 21q22.12.
Variant type: single nucleotide variant.
Coding change: c.329A>G on transcript NM_000219.6 (MANE Select); coding-DNA position 329, A replaced by G.
Protein change: p.Glu110Gly; replaces glutamic acid 110 with glycine.
Molecular consequence: missense variant.
Genome position (GRCh38, 1-based): chr21:34,449,306, T>C on the plus strand (A>G on the coding strand, the complement: KCNE1 is on the minus strand). VCF-style: chr21-34449306-T-C. GRCh37 (hg19) VCF-style: chr21-35821604-T-C.
Other names: c.329A>G (NM_000219.3); c.329A>G, p.Glu110Gly (NM_001127668.4, NM_001127669.4, NM_001127670.4 and 4 more transcripts); short protein forms E110G.
Identifiers: ClinVar variation 1677454 (VCV001677454.7), dbSNP rs2123456879, ClinGen allele CA410198010.